The following is an entry in ClinVar:

ClinVar aggregate classification (germline): Uncertain significance. Review status: criteria provided, multiple submitters, no conflicts (2 of 4 stars). 2 submissions from 2 submitters: Uncertain significance (2). Last evaluated 2024-12-09.

Conditions:
Inborn genetic diseases. Identifiers: MedGen C0950123, MeSH D030342.

Allele frequency attached by ClinVar (database versions not stated): TOPMed below 0.00001; ESP Exome Variant Server 0.00008; gnomAD exomes below 0.00001; ExAC 0.00003.
gnomAD v4.1: 3 of 1,587,846 alleles (0.00019%); highest among the groups gnomAD compares: South Asian, 0.0012%; no homozygotes.

Submissions (2):

GeneDx
Classification: Uncertain significance. Last evaluated: 2024-12-09. Review status: criteria provided, single submitter. Criteria: GeneDx Variant Classification Process June 2021. Collection method: clinical testing. Allele origin: germline. Affected: yes.
Comment: Not observed at significant frequency in large population cohorts (gnomAD); In silico analysis supports that this missense variant has a deleterious effect on protein structure/function; Has not been previously published as pathogenic or benign to our knowledge

Ambry Genetics
Classification: Uncertain significance for Inborn genetic diseases. Last evaluated: 2023-05-16. Review status: criteria provided, single submitter. Criteria: Ambry Variant Classification Scheme 2023. Collection method: clinical testing. Allele origin: germline.

NM_000540.3(RYR1):c.12641G>A (p.Arg4214His)

Gene: RYR1 (ryanodine receptor 1; plus strand). Cytogenetic location: 19q13.2.
Variant type: single nucleotide variant.
Coding change: c.12641G>A on transcript NM_000540.3 (MANE Select); coding-DNA position 12641, G replaced by A.
Protein change: p.Arg4214His; replaces arginine 4214 with histidine.
Molecular consequence: missense variant.
Genome position (GRCh38, 1-based): chr19:38,564,975, G>A. VCF-style: chr19-38564975-G-A. GRCh37 (hg19) VCF-style: chr19-39055615-G-A.
Other names: c.12626G>A, p.Arg4209His (NM_001042723.2); short protein forms R4209H, R4214H.
Identifiers: ClinVar variation 2525072 (VCV002525072.3), dbSNP rs370527763, ClinGen allele CA059279.